The following is an entry in ClinVar:

ClinVar aggregate classification (germline): Uncertain significance (1 of 4 stars; one submission).

Conditions:
Catecholaminergic polymorphic ventricular tachycardia 1. Also called: RYR2-Related Catecholaminergic Polymorphic Ventricular Tachycardia; VENTRICULAR TACHYCARDIA, STRESS-INDUCED POLYMORPHIC 1; VENTRICULAR TACHYCARDIA, CATECHOLAMINERGIC POLYMORPHIC, 1, WITH OR WITHOUT ATRIAL DYSFUNCTION AND/OR DILATED CARDIOMYOPATHY. Identifiers: Orphanet 3286, MedGen C1631597, MONDO:0011484, OMIM 604772.

Allele frequency attached by ClinVar (database versions not stated): gnomAD exomes below 0.00001; gnomAD 0.00001; TOPMed 0.00001.
gnomAD v4.1: 6 of 1,613,310 alleles (0.00037%); highest among the groups gnomAD compares: Admixed American, 0.0017%; no homozygotes.

Submission:

Labcorp Genetics (formerly Invitae), Labcorp
Classification: Uncertain significance for Catecholaminergic polymorphic ventricular tachycardia 1. Last evaluated: 2024-04-06. Review status: criteria provided, single submitter. Criteria: Invitae Variant Classification Sherloc (09022015). Collection method: clinical testing. Allele origin: germline.
Comment: This sequence change replaces proline, which is neutral and non-polar, with leucine, which is neutral and non-polar, at codon 2047 of the RYR2 protein (p.Pro2047Leu). This variant is present in population databases (no rsID available, gnomAD 0.007%). This variant has not been reported in the literature in individuals affected with RYR2-related conditions. ClinVar contains an entry for this variant (Variation ID: 1518927). Advanced modeling of protein sequence and biophysical properties (such as structural, functional, and spatial information, amino acid conservation, physicochemical variation, residue mobility, and thermodynamic stability) performed at Invitae indicates that this missense variant is not expected to disrupt RYR2 protein function with a negative predictive value of 95%. In summary, the available evidence is currently insufficient to determine the role of this variant in disease. Therefore, it has been classified as a Variant of Uncertain Significance.

NM_001035.3(RYR2):c.6140C>T (p.Pro2047Leu)

Gene: RYR2 (ryanodine receptor 2; plus strand). Cytogenetic location: 1q43.
Variant type: single nucleotide variant.
Coding change: c.6140C>T on transcript NM_001035.3 (MANE Select); coding-DNA position 6140, C replaced by T.
Protein change: p.Pro2047Leu; replaces proline 2047 with leucine.
Molecular consequence: missense variant.
Genome position (GRCh38, 1-based): chr1:237,625,778, C>T. VCF-style: chr1-237625778-C-T. GRCh37 (hg19) VCF-style: chr1-237789078-C-T.
Other names: short protein forms P2047L.
Identifiers: ClinVar variation 1518927 (VCV001518927.8), dbSNP rs1464384648, ClinGen allele CA345409325.
Genomic context (GRCh38, chr1:237,625,778, plus strand): 5'-GGCGTCTGCTATCCCTGGTAGAAAAGGTGACATATCTGAAGAAGAAGCAAGCAGAAAAAC[C>T]AGTTGAGAGTGACTCCAAAAAGTCCTGTAAGCAGTATGAGAGTGCACTGGCAGAATGACC-3'
Protein context (NP_001026.2, residues 2037-2057): TYLKKKQAEK[Pro2047Leu]VESDSKKSST